The following is an entry in ClinVar:

ClinVar aggregate classification (germline): Likely pathogenic (1 of 4 stars; one submission).

Submission:

Labcorp Genetics (formerly Invitae), Labcorp
Classification: Likely pathogenic. Last evaluated: 2022-09-30. Review status: criteria provided, single submitter. Criteria: Invitae Variant Classification Sherloc (09022015). Collection method: clinical testing. Allele origin: germline.
Comment: In summary, the currently available evidence indicates that the variant is pathogenic, but additional data are needed to prove that conclusively. Therefore, this variant has been classified as Likely Pathogenic. This variant disrupts the p.Asn150 amino acid residue in FH. Other variant(s) that disrupt this residue have been determined to be pathogenic (PMID: 33461594; Invitae). This suggests that this residue is clinically significant, and that variants that disrupt this residue are likely to be disease-causing. Advanced modeling of protein sequence and biophysical properties (such as structural, functional, and spatial information, amino acid conservation, physicochemical variation, residue mobility, and thermodynamic stability) performed at Invitae indicates that this missense variant is expected to disrupt FH protein function. ClinVar contains an entry for this variant (Variation ID: 1009323). This variant has not been reported in the literature in individuals affected with FH-related conditions. This variant is not present in population databases (gnomAD no frequency). This sequence change replaces asparagine, which is neutral and polar, with aspartic acid, which is acidic and polar, at codon 150 of the FH protein (p.Asn150Asp).

Literature cited by the submitters: PubMed 33461594.

NM_000143.4(FH):c.448A>G (p.Asn150Asp)

Gene: FH (fumarate hydratase; minus strand). Cytogenetic location: 1q43.
Variant type: single nucleotide variant.
Coding change: c.448A>G on transcript NM_000143.4 (MANE Select); coding-DNA position 448, A replaced by G.
Protein change: p.Asn150Asp; replaces asparagine 150 with aspartic acid.
Molecular consequence: missense variant.
Genome position (GRCh38, 1-based): chr1:241,512,074, T>C on the plus strand (A>G on the coding strand, the complement: FH is on the minus strand). VCF-style: chr1-241512074-T-C. GRCh37 (hg19) VCF-style: chr1-241675374-T-C.
Other names: short protein forms N150D.
Identifiers: ClinVar variation 1009323 (VCV001009323.9), dbSNP rs1660099527, ClinGen allele CA345440085.